The following is an entry in ClinVar:

ClinVar aggregate classification (germline): Likely benign (1 of 4 stars; one submission).

Conditions:
Hirschsprung disease, susceptibility to, 4. Identifiers: Orphanet 388, MedGen C3150975, MONDO:0013384, OMIM 613712.

Allele frequency attached by ClinVar (database versions not stated): gnomAD 0.00006 and 0.00009; TOPMed 0.00015; 1000 Genomes Project 30x 0.00031; 1000 Genomes Project 0.00040.

Submission:

Illumina Laboratory Services, Illumina
Classification: Likely benign for Hirschsprung disease, susceptibility to, 4. Last evaluated: 2018-01-13. Review status: criteria provided, single submitter. Criteria: ICSL Variant Classification Criteria 13 December 2019. Collection method: clinical testing. Allele origin: germline.
Comment: This variant was observed in the ICSL laboratory as part of a predisposition screen in an ostensibly healthy population. It had not been previously curated by ICSL or reported in the Human Gene Mutation Database (HGMD: prior to June 1st, 2018), and was therefore a candidate for classification through an automated scoring system. Utilizing variant allele frequency, disease prevalence and penetrance estimates, and inheritance mode, an automated score was calculated to assess if this variant is too frequent to cause the disease. Based on the score and internal cut-off values, a variant classified as likely benign is not then subjected to further curation. The score for this variant resulted in a classification of likely benign for this disease.

NM_207034.3(EDN3):c.*757G>A

Gene: EDN3 (endothelin 3; plus strand). Cytogenetic location: 20q13.32.
Variant type: single nucleotide variant.
Coding change: c.*757G>A on transcript NM_207034.3 (MANE Select); 757 bases downstream of the stop codon, G replaced by A.
Molecular consequence: 3 prime UTR variant.
Genome position (GRCh38, 1-based): chr20:59,325,216, G>A. VCF-style: chr20-59325216-G-A. GRCh37 (hg19) VCF-style: chr20-57900271-G-A.
Other names: c.*881G>A (NM_001302455.2); c.*849G>A (NM_001302456.2, NM_207032.3); c.*757G>A (NM_207033.3).
Identifiers: ClinVar variation 897623 (VCV000897623.4), dbSNP rs57724975, ClinGen allele CA316926590.